The following is an entry in ClinVar:

ClinVar aggregate classification (germline): Conflicting classifications of pathogenicity. Review status: criteria provided, conflicting classifications (1 of 4 stars). 2 submissions from 2 submitters: Uncertain significance (1); Likely benign (1). Last evaluated 2023-07-19.

Conditions:
Inborn genetic diseases. Identifiers: MedGen C0950123, MeSH D030342.

Allele frequency attached by ClinVar (database versions not stated): gnomAD exomes below 0.00001; ExAC 0.00001; gnomAD 0.00001.

Submissions (2):

Ambry Genetics
Classification: Likely benign for Inborn genetic diseases. Last evaluated: 2023-07-19. Review status: criteria provided, single submitter. Criteria: Ambry Variant Classification Scheme 2023. Collection method: clinical testing. Allele origin: germline.

Labcorp Genetics (formerly Invitae), Labcorp
Classification: Uncertain significance. Last evaluated: 2023-05-13. Review status: criteria provided, single submitter. Criteria: Invitae Variant Classification Sherloc (09022015). Collection method: clinical testing. Allele origin: germline.
Comment: In summary, the available evidence is currently insufficient to determine the role of this variant in disease. Therefore, it has been classified as a Variant of Uncertain Significance. An algorithm developed to predict the effect of missense changes on protein structure and function (PolyPhen-2) suggests that this variant is likely to be tolerated. ClinVar contains an entry for this variant (Variation ID: 1771099). This variant has not been reported in the literature in individuals affected with ATR-related conditions. This variant is present in population databases (rs757575787, gnomAD 0.03%). This sequence change replaces alanine, which is neutral and non-polar, with threonine, which is neutral and polar, at codon 344 of the ATR protein (p.Ala344Thr).

NM_001184.4(ATR):c.1030G>A (p.Ala344Thr)

Gene: ATR (ATR checkpoint kinase; minus strand). Cytogenetic location: 3q23.
Variant type: single nucleotide variant.
Coding change: c.1030G>A on transcript NM_001184.4 (MANE Select); coding-DNA position 1030, G replaced by A.
Protein change: p.Ala344Thr; replaces alanine 344 with threonine.
Molecular consequence: missense variant.
Genome position (GRCh38, 1-based): chr3:142,562,372, C>T on the plus strand (G>A on the coding strand, the complement: ATR is on the minus strand). VCF-style: chr3-142562372-C-T. GRCh37 (hg19) VCF-style: chr3-142281214-C-T.
Other names: c.1030G>A, p.Ala344Thr (NM_001354579.2); short protein forms A344T.
Identifiers: ClinVar variation 1771099 (VCV001771099.5), dbSNP rs757575787, ClinGen allele CA2650689.